The following is an entry in ClinVar:

NM_006361.6(HOXB13):c.92C>G (p.Ser31Cys)

Gene: HOXB13 (homeobox B13; minus strand). Cytogenetic location: 17q21.32.
Variant type: single nucleotide variant.
Coding change: c.92C>G on transcript NM_006361.6 (MANE Select); coding-DNA position 92, C replaced by G.
Protein change: p.Ser31Cys; replaces serine 31 with cysteine.
Molecular consequence: missense variant.
Genome position (GRCh38, 1-based): chr17:48,728,502, G>C on the plus strand (C>G on the coding strand, the complement: HOXB13 is on the minus strand). VCF-style: chr17-48728502-G-C. GRCh37 (hg19) VCF-style: chr17-46805864-G-C.
Other names: short protein forms S31C.
Identifiers: ClinVar variation 823154 (VCV000823154.13), dbSNP rs758169931, ClinGen allele CA8634065.
Genomic context (GRCh38, chr17:48,728,502, plus strand): 5'-AAGGGGGCATAGTTGACAGCAGGCATCAGCGTAGGCGCCGCTGGGTGGCTGGTCAGAGGG[G>C]AGTGGGCGACCAGATTCCGCCCCCCTCCCGCTCCCAGCAAGCCTTCGATATCCTTGGCTC-3'
Protein context (NP_006352.2, residues 21-41): AGGGRNLVAH[Ser31Cys]PLTSHPAAPT

ClinVar aggregate classification (germline): Uncertain significance. Review status: criteria provided, multiple submitters, no conflicts (2 of 4 stars). 2 submissions from 2 submitters: Uncertain significance (2). Last evaluated 2025-12-07.

Conditions:
Hereditary cancer-predisposing syndrome. Also called: Tumor predisposition; Hereditary Cancer Syndrome; Neoplastic Syndromes, Hereditary; Hereditary neoplastic syndrome. Identifiers: Orphanet 140162, MedGen C0027672, MeSH D009386, MONDO:0015356.

Allele frequency attached by ClinVar (database versions not stated): gnomAD exomes 0.00001; ExAC 0.00002.
gnomAD v4.1: 3 of 1,613,508 alleles (0.00019%); highest among the groups gnomAD compares: South Asian, 0.0022%; no homozygotes.

Submissions (2):

Ambry Genetics
Classification: Uncertain significance for Hereditary cancer-predisposing syndrome. Last evaluated: 2025-12-07. Review status: criteria provided, single submitter. Criteria: Ambry Variant Classification Scheme 2023. Collection method: clinical testing. Allele origin: germline.
Comment: The p.S31C variant (also known as c.92C>G), located in coding exon 1 of the HOXB13 gene, results from a C to G substitution at nucleotide position 92. The serine at codon 31 is replaced by cysteine, an amino acid with dissimilar properties. This amino acid position is not well conserved in available vertebrate species. In addition, this alteration is predicted to be tolerated by in silico analysis. Since supporting evidence is limited at this time, the clinical significance of this alteration remains unclear.

Labcorp Genetics (formerly Invitae), Labcorp
Classification: Uncertain significance. Last evaluated: 2025-01-12. Review status: criteria provided, single submitter. Criteria: Invitae Variant Classification Sherloc (09022015). Collection method: clinical testing. Allele origin: germline.
Comment: This sequence change replaces serine, which is neutral and polar, with cysteine, which is neutral and slightly polar, at codon 31 of the HOXB13 protein (p.Ser31Cys). This variant is present in population databases (rs758169931, gnomAD 0.007%). This variant has not been reported in the literature in individuals affected with HOXB13-related conditions. ClinVar contains an entry for this variant (Variation ID: 823154). An algorithm developed to predict the effect of missense changes on protein structure and function (PolyPhen-2) suggests that this variant is likely to be disruptive. In summary, the available evidence is currently insufficient to determine the role of this variant in disease. Therefore, it has been classified as a Variant of Uncertain Significance.